The following is an entry in ClinVar:

NM_006790.3(MYOT):c.655C>T (p.Arg219Ter)

Genes: MYOT (myotilin; plus strand), PKD2L2-DT (PKD2L2 divergent transcript; minus strand). Cytogenetic location: 5q31.2.
Variant type: single nucleotide variant.
Coding change: c.655C>T on transcript NM_006790.3 (MANE Select); coding-DNA position 655, C replaced by T.
Protein change: p.Arg219Ter; replaces arginine 219 with a stop codon.
Molecular consequence: nonsense.
Genome position (GRCh38, 1-based): chr5:137,880,837, C>T. VCF-style: chr5-137880837-C-T. GRCh37 (hg19) VCF-style: chr5-137216526-C-T.
Other names: c.103C>T, p.Arg35Ter (NM_001135940.2); c.310C>T, p.Arg104Ter (NM_001300911.2); short protein forms R104*, R219*, R35*.
Identifiers: ClinVar variation 1018279 (VCV001018279.5), dbSNP rs781249546, ClinGen allele CA3422998.

ClinVar aggregate classification (germline): Uncertain significance (1 of 4 stars; one submission).

Conditions:
Myofibrillar myopathy 3 (MFM3). Also called: Muscular dystrophy, proximal, type 1A; Autosomal dominant spheroid body myopathy. Identifiers: Orphanet 266, Orphanet 268129, MedGen C3714934, MONDO:0012215, OMIM 609200.

Allele frequency attached by ClinVar (database versions not stated): gnomAD 0.00001; gnomAD exomes 0.00001 and 0.00002; TOPMed 0.00001; ExAC 0.00002.
gnomAD v4.1: 17 of 1,612,146 alleles (0.0011%); highest among the groups gnomAD compares: African/African-American, 0.004%; no homozygotes.

Submission:

Labcorp Genetics (formerly Invitae), Labcorp
Classification: Uncertain significance for Myofibrillar myopathy 3. Last evaluated: 2022-08-10. Review status: criteria provided, single submitter. Criteria: Invitae Variant Classification Sherloc (09022015). Collection method: clinical testing. Allele origin: germline.
Comment: This variant has not been reported in the literature in individuals affected with MYOT-related conditions. In summary, the available evidence is currently insufficient to determine the role of this variant in disease. Therefore, it has been classified as a Variant of Uncertain Significance. ClinVar contains an entry for this variant (Variation ID: 1018279). This variant is present in population databases (rs781249546, gnomAD 0.004%). This sequence change creates a premature translational stop signal (p.Arg219*) in the MYOT gene. It is expected to result in an absent or disrupted protein product. However, the current clinical and genetic evidence is not sufficient to establish whether loss-of-function variants in MYOT cause disease.